The following is an entry in ClinVar:

ClinVar aggregate classification (germline): Likely benign (0 of 4 stars; one submission).

Conditions:
BRD4-related disorder. Also called: BRD4-related condition.

Allele frequency attached by ClinVar (database versions not stated): gnomAD exomes below 0.00001.
gnomAD v4.1: 2 of 1,607,314 alleles (0.00012%); highest among the groups gnomAD compares: Admixed American, 0.0034%; no homozygotes.

Submission:

PreventionGenetics, part of Exact Sciences
Classification: Likely benign for BRD4-related condition. Last evaluated: 2019-06-04. Review status: no assertion criteria provided. Collection method: clinical testing. Allele origin: germline.
Comment: This variant is classified as likely benign based on ACMG/AMP sequence variant interpretation guidelines (Richards et al. 2015 PMID: 25741868, with internal and published modifications).

NM_001379291.1(BRD4):c.3156C>T (p.Asp1052=)

Gene: BRD4 (bromodomain containing 4; minus strand). Cytogenetic location: 19p13.12.
Variant type: single nucleotide variant.
Coding change: c.3156C>T on transcript NM_001379291.1 (MANE Select); coding-DNA position 3156, C replaced by T.
Protein change: p.Asp1052=; no amino-acid change (aspartic acid 1052 retained).
Molecular consequence: synonymous variant.
Genome position (GRCh38, 1-based): chr19:15,242,913, G>A on the plus strand (C>T on the coding strand, the complement: BRD4 is on the minus strand). VCF-style: chr19-15242913-G-A. GRCh37 (hg19) VCF-style: chr19-15353724-G-A.
Other names: c.3156C>T, p.Asp1052= (NM_058243.3).
Identifiers: ClinVar variation 3044479 (VCV003044479.2), dbSNP rs1172368119, ClinGen allele CA505820588.